The following is an entry in ClinVar:

ClinVar aggregate classification (germline): Uncertain significance (1 of 4 stars; one submission).

Conditions:
Early-onset generalized limb-onset dystonia. Also called: DYSTONIA 1, TORSION, AUTOSOMAL DOMINANT; DYSTONIA MUSCULORUM DEFORMANS 1; Dystonia-1, torsion; Oppenheim's dystonia; DYT-TOR1A; Dystonia 1, modifier of. Identifiers: Orphanet 256, MedGen C1851945, MONDO:0007492, OMIM 128100.

Submission:

Baylor Genetics
Classification: Uncertain significance for Early-onset generalized limb-onset dystonia. Last evaluated: 2019-10-30. Review status: criteria provided, single submitter. Criteria: ACMG Guidelines, 2015. Collection method: clinical testing. Allele origin: unknown. Affected: yes.
Comment: This variant was determined to be of uncertain significance according to ACMG Guidelines, 2015 [PMID:25741868].

NM_000113.3(TOR1A):c.620+3A>T

Gene: TOR1A (torsin family 1 member A; minus strand). Cytogenetic location: 9q34.11.
Variant type: single nucleotide variant.
Coding change: c.620+3A>T on transcript NM_000113.3 (MANE Select); 3 bases into the intron after coding-DNA position 620, A replaced by T.
Molecular consequence: intron variant.
Genome position (GRCh38, 1-based): chr9:129,818,742, T>A on the plus strand (A>T on the coding strand, the complement: TOR1A is on the minus strand). VCF-style: chr9-129818742-T-A. GRCh37 (hg19) VCF-style: chr9-132581021-T-A.
Identifiers: ClinVar variation 1028074 (VCV001028074.1), dbSNP rs2031105353, ClinGen allele CA1880978384.